The following is an entry in ClinVar:

ClinVar aggregate classification (germline): Pathogenic (1 of 4 stars; one submission).

Conditions:
Mitochondrial trifunctional protein deficiency. Identifiers: Orphanet 746, MedGen C1969443, MONDO:0012172.
Long chain 3-hydroxyacyl-CoA dehydrogenase deficiency. Also called: LCHAD Deficiency; Deficiency of long-chain 3-hydroxyacyl-coenzyme A dehydrogenase. Identifiers: Orphanet 5, MedGen C3711645, MONDO:0012173, OMIM 609016.

Submission:

Labcorp Genetics (formerly Invitae), Labcorp
Classification: Pathogenic for Mitochondrial trifunctional protein deficiency; Long chain 3-hydroxyacyl-CoA dehydrogenase deficiency. Last evaluated: 2021-10-31. Review status: criteria provided, single submitter. Criteria: Invitae Variant Classification Sherloc (09022015). Collection method: clinical testing. Allele origin: germline.
Comment: This sequence change creates a premature translational stop signal (p.Gln674*) in the HADHA gene. It is expected to result in an absent or disrupted protein product. Loss-of-function variants in HADHA are known to be pathogenic (PMID: 7738175, 21103935, 21549624, 22459206). For these reasons, this variant has been classified as Pathogenic. This variant has not been reported in the literature in individuals affected with HADHA-related conditions. This variant is not present in population databases (gnomAD no frequency).

Literature cited by the submitters: PubMed 7738175; PubMed 21103935; PubMed 21549624; PubMed 22459206.

NM_000182.5(HADHA):c.2020C>T (p.Gln674Ter)

Genes: HADHA (hydroxyacyl-CoA dehydrogenase trifunctional multienzyme complex subunit alpha; minus strand), GAREM2 (GRB2 associated regulator of MAPK1 subtype 2; plus strand). Cytogenetic location: 2p23.3.
Variant type: single nucleotide variant.
Coding change: c.2020C>T on transcript NM_000182.5 (MANE Select); coding-DNA position 2020, C replaced by T.
Protein change: p.Gln674Ter; replaces glutamine 674 with a stop codon.
Molecular consequence: nonsense.
Genome position (GRCh38, 1-based): chr2:26,191,609, G>A on the plus strand (C>T on the coding strand, the complement: HADHA is on the minus strand). VCF-style: chr2-26191609-G-A. GRCh37 (hg19) VCF-style: chr2-26414478-G-A.
Other names: short protein forms Q674*.
Identifiers: ClinVar variation 1452112 (VCV001452112.6), dbSNP rs2147749450, ClinGen allele CA346113632.